The following is an entry in ClinVar:

ClinVar aggregate classification (germline): Pathogenic/Likely pathogenic. Review status: criteria provided, multiple submitters, no conflicts (2 of 4 stars). 12 submissions from 11 submitters: Pathogenic (8); Likely pathogenic (1). 3 of the submissions do not count toward it. Last evaluated 2026-05-11.

Conditions:
ENAM-related disorder. Also called: ENAM-related condition.
ENAM-related disorders.
Inborn genetic diseases. Identifiers: MedGen C0950123, MeSH D030342.
Amelogenesis imperfecta - hypoplastic autosomal dominant - local (AI1B). Also called: Amelogenesis imperfecta type 1B; ENAMEL HYPOPLASIA, HEREDITARY LOCALIZED. Identifiers: Orphanet 88661, MedGen C0399368, MONDO:0007092, OMIM 104500. Disease mechanism: loss of function.
Amelogenesis imperfecta type 1C. Also called: AMELOGENESIS IMPERFECTA, LOCAL HYPOPLASTIC TYPE, AUTOSOMAL RECESSIVE. Identifiers: Orphanet 88661, MedGen C2673923, MONDO:0008770, OMIM 204650. Disease mechanism: loss of function.

Allele frequency attached by ClinVar (database versions not stated): ESP Exome Variant Server 0.00016; TOPMed 0.00017; gnomAD 0.00018 and 0.00019; gnomAD exomes 0.00026 and 0.00029; ExAC 0.00033.

Submissions (12):

PreventionGenetics, part of Exact Sciences
Classification: Pathogenic for ENAM-related condition. Last evaluated: 2026-05-11. Review status: criteria provided, single submitter. Criteria: ACMG Guidelines, 2015. Collection method: clinical testing. Allele origin: germline.
Comment: The ENAM c.1259_1260insAG variant is predicted to result in a frameshift and premature protein termination (p.Pro422Valfs*27). This variant, also described as c.1258_1259insAG (p.P422fsX448) in the literature, has been reported in individuals with amelogenesis imperfecta (Hart et al. 2003. PubMed ID: 14684688; Pavlic et al. 2007. PubMed ID: 17125728; Wright et al. 2011. PubMed ID: 21597265; Zhang et al. 2019. PubMed ID: 31478359). This variant is reported in 0.050% of alleles in individuals of European (Non-Finnish) descent in gnomAD. Frameshift variants in ENAM are expected to be pathogenic. This variant is interpreted as pathogenic.

CeGaT Center for Human Genetics Tuebingen
Classification: Pathogenic. Last evaluated: 2026-02-01. Review status: criteria provided, single submitter. Criteria: CeGaT Center For Human Genetics Tuebingen Variant Classification Criteria Version 2. Collection method: clinical testing. Allele origin: germline. Affected: yes. Observed: 4 variant alleles.
Comment: ENAM: PP1:Strong, PVS1:Strong, PM2, PS4:Moderate

GeneDx
Classification: Likely pathogenic. Last evaluated: 2025-09-07. Review status: criteria provided, single submitter. Criteria: GeneDx Variant Classification Process June 2021. Collection method: clinical testing. Allele origin: germline. Affected: yes.
Comment: Heterozygotes have been reported to have localized hypoplastic enamel pitting defects (PMID: 17125728, 16246937, 14684688); Frameshift variant predicted to result in protein truncation, as the last 721 amino acids are replaced with 26 different amino acids, and other loss-of-function variants have been reported downstream in the Human Gene Mutation Database and published literature (HGMD); This variant is associated with the following publications: (PMID: 34426522, 28694781, 21597265, 31589614, 31069529, 20439930, 31478359, 16246937, 19329462, 17125728, 14684688, 36910591)

Ambry Genetics
Classification: Pathogenic for Inborn genetic diseases. Last evaluated: 2025-06-24. Review status: criteria provided, single submitter. Criteria: Ambry Variant Classification Scheme 2023. Collection method: clinical testing. Allele origin: germline.
Comment: The c.1259_1260insAG (p.P422Vfs*27) alteration, located in exon 9 (coding exon 8) of the ENAM gene, consists of an insertion of AG at position 1259, causing a translational frameshift with a predicted alternate stop codon after 27 amino acids. This variant is not expected to trigger nonsense-mediated mRNA decay, and impacts the last 63% of the protein. Premature stop codons are typically deleterious in nature and a significant portion of the protein is affected (Ambry internal data). Based on data from gnomAD, the AG allele has an overall frequency of 0.03% (84/277734) total alleles studied. The highest observed frequency was 0.05% (63/127244) of European (non-Finnish) alleles. This variant has been reported in individuals with features consistent with ENAM-related amelogenesis imperfecta (Hart, 2003; Pavlic, 2007; Chan, 2010). Based on the available evidence, this alteration is classified as pathogenic.

First Genomix Gene Laboratory, Genetic Diagnostics Department
Classification: Pathogenic for Amelogenesis imperfecta type 1C. Last evaluated: 2025-03-21. Review status: criteria provided, single submitter. Criteria: ACMG Guidelines, 2015. Collection method: clinical testing. Allele origin: germline. Inheritance: Autosomal recessive inheritance. Affected: no. Observed: 1 variant allele.

Blueprint Genetics
Classification: Pathogenic for ENAM-related disorders. Last evaluated: 2024-10-26. Review status: criteria provided, single submitter. Criteria: ACMG Guidelines, 2015. Collection method: clinical testing. Allele origin: germline. Affected: yes. Observed: 5 variant alleles.

Revvity Omics, Revvity
Classification: Pathogenic. Last evaluated: 2024-05-17. Review status: criteria provided, single submitter. Criteria: ACMG Guidelines, 2015. Collection method: clinical testing. Allele origin: germline.

Labcorp Genetics (formerly Invitae), Labcorp
Classification: Pathogenic. Last evaluated: 2022-07-05. Review status: criteria provided, single submitter. Criteria: Invitae Variant Classification Sherloc (09022015). Collection method: clinical testing. Allele origin: germline.
Comment: This sequence change creates a premature translational stop signal (p.Pro422Valfs*27) in the ENAM gene. While this is not anticipated to result in nonsense mediated decay, it is expected to disrupt the last 721 amino acid(s) of the ENAM protein. This variant is present in population databases (rs587776588, gnomAD 0.05%). This premature translational stop signal has been observed in individual(s) with amelogenesis imperfecta (PMID: 14684688, 16246937, 17125728, 19329462, 20439930). It has also been observed to segregate with disease in related individuals. ClinVar contains an entry for this variant (Variation ID: 4238). Algorithms developed to predict the effect of sequence changes on RNA splicing suggest that this variant may create or strengthen a splice site. For these reasons, this variant has been classified as Pathogenic.

Department of Pathology and Laboratory Medicine, Sinai Health System
Classification: Pathogenic for Amelogenesis imperfecta - hypoplastic autosomal dominant - local; Amelogenesis imperfecta type 1C. Last evaluated: 2022-04-06. Review status: criteria provided, single submitter. Criteria: ACMG Guidelines, 2015. Collection method: research. Allele origin: germline.

Division of Human Genetics, Children's Hospital of Philadelphia
Classification: Likely pathogenic for Amelogenesis imperfecta, type IC. Last evaluated: 2014-07-31. Review status: no assertion criteria provided. Collection method: research. Allele origin: germline. Affected: no. Study: CSER-PediSeq. Not counted in ClinVar's aggregate classification.
Comment: The ENAM variant (c.1259_1260insAG,p.Pro422Valfs*27) identified in this patient is a frameshift variant considered to be likely pathogenic (Hart et al. 2003, PMID: 14684688 ; Wright et al. 2011, PMID: 21597265) and not associated with the autosomal dominant amelogenesis imperfecta type 1B (MIM:104500). Carriers of this condition have been reported to have localized enamel defects: pitted or grooved teeth, or small and discolored teeth that are prone to premature wearing.

OMIM
Classification: Pathogenic for AMELOGENESIS IMPERFECTA, TYPE IC. Last evaluated: 2007-03-01. Review status: no assertion criteria provided. Collection method: literature only. Allele origin: germline. Not counted in ClinVar's aggregate classification.

OMIM
Classification: Pathogenic for AMELOGENESIS IMPERFECTA, TYPE IB. Last evaluated: 2007-03-01. Review status: no assertion criteria provided. Collection method: literature only. Allele origin: germline. Not counted in ClinVar's aggregate classification.

Literature cited by the submitters: PubMed 14684688 (cited by 4 submitters); PubMed 17125728 (cited by 3 submitters); PubMed 20439930 (cited by Ambry Genetics and Labcorp Genetics (formerly Invitae), Labcorp); PubMed 16246937 (cited by Labcorp Genetics (formerly Invitae), Labcorp); PubMed 19329462 (cited by Labcorp Genetics (formerly Invitae), Labcorp); PubMed 21597265 (cited by Division of Human Genetics, Children's Hospital of Philadelphia).

NM_031889.3(ENAM):c.1259_1260insAG (p.Pro422fs)

Gene: ENAM (enamelin; plus strand). Cytogenetic location: 4q13.3.
Variant type: Insertion.
Coding change: c.1259_1260insAG on transcript NM_031889.3 (MANE Select); coding-DNA positions 1259 to 1260, AG inserted.
Protein change: p.Pro422fs; shifts the reading frame from proline 422.
Molecular consequence: frameshift variant.
Genome position: GRCh38 VCF-style: chr4-70642685-T-TAG. GRCh37 (hg19) VCF-style: chr4-71508402-T-TAG.
Other names: c.605_606insAG, p.Pro204fs (NM_001368133.1); short protein forms P204fs, P422fs.
Identifiers: ClinVar variation 4238 (VCV000004238.38), dbSNP rs587776588, ClinGen allele CA116733.